The following is an entry in ClinVar:

ClinVar aggregate classification (germline): Uncertain significance (1 of 4 stars; one submission).

Submission:

GeneDx
Classification: Uncertain significance. Last evaluated: 2023-03-22. Review status: criteria provided, single submitter. Criteria: GeneDx Variant Classification Process June 2021. Collection method: clinical testing. Allele origin: germline. Affected: yes.
Comment: Not observed at significant frequency in large population cohorts (gnomAD); In silico analysis supports that this missense variant has a deleterious effect on protein structure/function; Has not been previously published as pathogenic or benign to our knowledge

NM_003031.4(SIAH1):c.233C>T (p.Pro78Leu)

Genes: LONP2 (lon peptidase 2, peroxisomal; plus strand), SIAH1 (siah E3 ubiquitin protein ligase 1; minus strand). Cytogenetic location: 16q12.1.
Variant type: single nucleotide variant.
Coding change: c.233C>T on transcript NM_003031.4 (MANE Select); coding-DNA position 233, C replaced by T.
Protein change: p.Pro78Leu; replaces proline 78 with leucine.
Molecular consequence: missense variant. On other transcripts: 3 prime UTR variant (1).
Genome position (GRCh38, 1-based): chr16:48,362,196, G>A on the plus strand (C>T on the coding strand, the complement: SIAH1 is on the minus strand). VCF-style: chr16-48362196-G-A. GRCh37 (hg19) VCF-style: chr16-48396107-G-A.
Other names: c.326C>T, p.Pro109Leu (NM_001006610.2); c.*600G>A (NM_001348078.2); short protein forms P109L, P78L.
Identifiers: ClinVar variation 2580622 (VCV002580622.1), dbSNP rs2544514299, ClinGen allele CA396106303.